The following is an entry in ClinVar:

NM_004380.3(CREBBP):c.5253C>G (p.Asp1751Glu)

Gene: CREBBP (CREB binding lysine acetyltransferase; minus strand). Cytogenetic location: 16p13.3.
Variant type: single nucleotide variant.
Coding change: c.5253C>G on transcript NM_004380.3 (MANE Select); coding-DNA position 5253, C replaced by G.
Protein change: p.Asp1751Glu; replaces aspartic acid 1751 with glutamic acid.
Molecular consequence: missense variant.
Genome position (GRCh38, 1-based): chr16:3,729,794, G>C on the plus strand (C>G on the coding strand, the complement: CREBBP is on the minus strand). VCF-style: chr16-3729794-G-C. GRCh37 (hg19) VCF-style: chr16-3779795-G-C.
Other names: c.5139C>G, p.Asp1713Glu (NM_001079846.1); short protein forms D1713E, D1751E.
Identifiers: ClinVar variation 4984483 (VCV004984483.1).
Genomic context (GRCh38, chr16:3,729,794, plus strand): 5'-GCTCAGCCGGCGTGACTCCTGGGGGCTCTTTGACTGTGGCTCGCCCTGGCTGCTGCCCTC[G>C]TCATCCAGGCCCAGCCCCCACTTCACCATCTTATGGGCATGGCTCTTCGTGTTATAGCAG-3'
Protein context (NP_004371.2, residues 1741-1761): KMVKWGLGLD[Asp1751Glu]EGSSQGEPQS

ClinVar aggregate classification (germline): Uncertain significance (1 of 4 stars; one submission).

Conditions:
CREBBP-related disorder. Also called: CREBBP-related disorders; CREBBP-related condition.

Submission:

PreventionGenetics, part of Exact Sciences
Classification: Uncertain significance for CREBBP-related condition. Last evaluated: 2025-04-17. Review status: criteria provided, single submitter. Criteria: ACMG Guidelines, 2015. Collection method: clinical testing. Allele origin: germline.
Comment: The CREBBP c.5253C>G variant is predicted to result in the amino acid substitution p.Asp1751Glu. To our knowledge, this variant has not been reported in the literature or in a large population database (gnomAD), indicating this variant is rare. At this time, the clinical significance of this variant is uncertain due to the absence of conclusive functional and genetic evidence.